The following is an entry in ClinVar:

NM_000038.6(APC):c.3059A>T (p.Glu1020Val)

Gene: APC (APC regulator of Wnt signaling pathway; plus strand). Cytogenetic location: 5q22.2.
Variant type: single nucleotide variant.
Coding change: c.3059A>T on transcript NM_000038.6 (MANE Select); coding-DNA position 3059, A replaced by T.
Protein change: p.Glu1020Val; replaces glutamic acid 1020 with valine.
Molecular consequence: missense variant.
Genome position (GRCh38, 1-based): chr5:112,838,653, A>T. VCF-style: chr5-112838653-A-T. GRCh37 (hg19) VCF-style: chr5-112174350-A-T.
Other names: c.3038A>T, p.Glu1013Val (NM_001407451.1); c.3029A>T, p.Glu1010Val (NM_001407452.1); c.2882A>T, p.Glu961Val (NM_001407453.1, NM_001354901.2); c.2810A>T, p.Glu937Val (NM_001407454.1, NM_001407455.1, NM_001407456.1 and 1 more transcripts); c.2756A>T, p.Glu919Val (NM_001407458.1, NM_001407459.1, NM_001407460.1 and 1 more transcripts); c.2672A>T, p.Glu891Val (NM_001407467.1, NM_001407469.1); c.2210A>T, p.Glu737Val (NM_001407470.1, NM_001354906.2); c.1907A>T, p.Glu636Val (NM_001407471.1, NM_001407472.1); and 11 more; short protein forms E1002V, E860V, E891V, E929V, E961V, E1013V, E992V, E995V.
Identifiers: ClinVar variation 1799325 (VCV001799325.2), dbSNP rs1765326937, ClinGen allele CA16028034.

ClinVar aggregate classification (germline): Uncertain significance (1 of 4 stars; one submission).

Conditions:
Hereditary cancer-predisposing syndrome. Also called: Neoplastic Syndromes, Hereditary; Tumor predisposition; Hereditary Cancer Syndrome; Hereditary neoplastic syndrome. Identifiers: Orphanet 140162, MedGen C0027672, MeSH D009386, MONDO:0015356.

Submission:

Ambry Genetics
Classification: Uncertain significance for Hereditary cancer-predisposing syndrome. Last evaluated: 2021-12-09. Review status: criteria provided, single submitter. Criteria: Ambry Variant Classification Scheme 2023. Collection method: clinical testing. Allele origin: germline.
Comment: The p.E1020V variant (also known as c.3059A>T), located in coding exon 15 of the APC gene, results from an A to T substitution at nucleotide position 3059. The glutamic acid at codon 1020 is replaced by valine, an amino acid with dissimilar properties. This amino acid position is well conserved in available vertebrate species. In addition, in silico predictors for this gene do not accurately predict pathogenicity. Since supporting evidence is limited at this time, the clinical significance of this alteration remains unclear.